The following is an entry in ClinVar:

ClinVar aggregate classification (germline): Uncertain significance (1 of 4 stars; one submission).

Conditions:
Hereditary cancer-predisposing syndrome. Also called: Neoplastic Syndromes, Hereditary; Tumor predisposition; Hereditary Cancer Syndrome; Hereditary neoplastic syndrome. Identifiers: Orphanet 140162, MedGen C0027672, MeSH D009386, MONDO:0015356.

Submission:

Ambry Genetics
Classification: Uncertain significance for Hereditary cancer-predisposing syndrome. Last evaluated: 2022-01-29. Review status: criteria provided, single submitter. Criteria: Ambry Variant Classification Scheme 2023. Collection method: clinical testing. Allele origin: germline.
Comment: The p.I984M variant (also known as c.2952C>G), located in coding exon 25 of the POLE gene, results from a C to G substitution at nucleotide position 2952. The isoleucine at codon 984 is replaced by methionine, an amino acid with highly similar properties. This amino acid position is conserved. In addition, this alteration is predicted to be tolerated by in silico analysis. Since supporting evidence is limited at this time, the clinical significance of this alteration remains unclear.

NM_006231.4(POLE):c.2952C>G (p.Ile984Met)

Gene: POLE (DNA polymerase epsilon, catalytic subunit; minus strand). Cytogenetic location: 12q24.33.
Variant type: single nucleotide variant.
Coding change: c.2952C>G on transcript NM_006231.4 (MANE Select); coding-DNA position 2952, C replaced by G.
Protein change: p.Ile984Met; replaces isoleucine 984 with methionine.
Molecular consequence: missense variant.
Genome position (GRCh38, 1-based): chr12:132,661,077, G>C on the plus strand (C>G on the coding strand, the complement: POLE is on the minus strand). VCF-style: chr12-132661077-G-C. GRCh37 (hg19) VCF-style: chr12-133237663-G-C.
Other names: short protein forms I984M.
Identifiers: ClinVar variation 1798066 (VCV001798066.2), dbSNP rs1000861691, ClinGen allele CA387392519.